The following is an entry in ClinVar:

ClinVar aggregate classification (germline): Uncertain significance (1 of 4 stars; one submission).

Allele frequency attached by ClinVar (database versions not stated): gnomAD exomes below 0.00001.
gnomAD v4.1: 1 of 1,614,108 alleles (0.000062%); highest among the groups gnomAD compares: Non-Finnish European, 0.000085%; no homozygotes.

Submission:

Labcorp Genetics (formerly Invitae), Labcorp
Classification: Uncertain significance. Last evaluated: 2021-12-02. Review status: criteria provided, single submitter. Criteria: Invitae Variant Classification Sherloc (09022015). Collection method: clinical testing. Allele origin: germline.
Comment: This sequence change falls in intron 6 of the RAB3GAP1 gene. It does not directly change the encoded amino acid sequence of the RAB3GAP1 protein. It affects a nucleotide within the consensus splice site. This variant is not present in population databases (gnomAD no frequency). This variant has not been reported in the literature in individuals affected with RAB3GAP1-related conditions. Variants that disrupt the consensus splice site are a relatively common cause of aberrant splicing (PMID: 17576681, 9536098). Algorithms developed to predict the effect of sequence changes on RNA splicing suggest that this variant is not likely to affect RNA splicing. In summary, the available evidence is currently insufficient to determine the role of this variant in disease. Therefore, it has been classified as a Variant of Uncertain Significance.

Literature cited by the submitters: PubMed 17576681; PubMed 9536098.

NM_012233.3(RAB3GAP1):c.482+3G>A

Gene: RAB3GAP1 (RAB3 GTPase activating protein catalytic subunit 1; plus strand). Cytogenetic location: 2q21.3.
Variant type: single nucleotide variant.
Coding change: c.482+3G>A on transcript NM_012233.3 (MANE Select); 3 bases into the intron after coding-DNA position 482, G replaced by A.
Molecular consequence: intron variant.
Genome position (GRCh38, 1-based): chr2:135,113,273, G>A. VCF-style: chr2-135113273-G-A. GRCh37 (hg19) VCF-style: chr2-135870843-G-A.
Other names: c.482+3G>A (NM_001172435.2).
Identifiers: ClinVar variation 1408433 (VCV001408433.6), dbSNP rs2104913303, ClinGen allele CA2573133186.
Genomic context (GRCh38, chr2:135,113,273, plus strand): 5'-AATCTAAGTGCAACCTTCTTCTGAGTTCTGTTTCTATTGCCTTGGGAAACACTGGCTGGT[G>A]AGTGGACATTTTTTAAAACCTAGACAAAAAAACTGTTTTTAACAATAATTTATGAAGGCA-3'